The following is an entry in ClinVar:

NM_000136.3(FANCC):c.946C>T (p.Gln316Ter)

Genes: AOPEP (aminopeptidase O (putative); plus strand), FANCC (FA complementation group C; minus strand). Cytogenetic location: 9q22.32.
Variant type: single nucleotide variant.
Coding change: c.946C>T on transcript NM_000136.3 (MANE Select); coding-DNA position 946, C replaced by T.
Protein change: p.Gln316Ter; replaces glutamine 316 with a stop codon.
Molecular consequence: nonsense.
Genome position (GRCh38, 1-based): chr9:95,125,136, G>A on the plus strand (C>T on the coding strand, the complement: FANCC is on the minus strand). VCF-style: chr9-95125136-G-A. GRCh37 (hg19) VCF-style: chr9-97887418-G-A.
Other names: c.946C>T, p.Gln316Ter (NM_001243743.2, NM_001243744.2); short protein forms Q316*.
Identifiers: ClinVar variation 485554 (VCV000485554.15), dbSNP rs776529713, ClinGen allele CA5137577.
Genomic context (GRCh38, chr9:95,125,136, plus strand): 5'-TATAACAAACCTGCTTGCTTGCTTTCTCCAGAGCTTCTACAAAGCACTGCGTAAACACCT[G>A]AATAGTGGCTATGATTTCCAGGGCCCCATCGGTTTCCAGGAGTGCACACCTGAACAATGC-3'

ClinVar aggregate classification (germline): Pathogenic/Likely pathogenic. Review status: criteria provided, multiple submitters, no conflicts (2 of 4 stars). 3 submissions from 3 submitters: Pathogenic (2); Likely pathogenic (1). Last evaluated 2024-03-16.

Conditions:
Hereditary cancer-predisposing syndrome. Also called: Tumor predisposition; Hereditary Cancer Syndrome; Hereditary neoplastic syndrome; Neoplastic Syndromes, Hereditary. Identifiers: Orphanet 140162, MedGen C0027672, MeSH D009386, MONDO:0015356.
Fanconi anemia (FA). Also called: Fanconi's anemia. Identifiers: Orphanet 84, MedGen C0015625, MeSH D005199, MONDO:0019391.
Fanconi anemia complementation group C (FANCC). Also called: Fanconi anemia, group C; FANCC-Related Fanconi Anemia; FANCONI PANCYTOPENIA, TYPE 3; FACC. Identifiers: Orphanet 84, MedGen C3468041, MONDO:0009213, OMIM 227645.

Allele frequency attached by ClinVar (database versions not stated): gnomAD exomes below 0.00001; ExAC 0.00001.
gnomAD v4.1: 1 of 1,614,176 alleles (0.000062%); highest among the groups gnomAD compares: Non-Finnish European, 0.000085%; no homozygotes.

Submissions (3):

Baylor Genetics
Classification: Likely pathogenic for Fanconi anemia complementation group C. Last evaluated: 2024-03-16. Review status: criteria provided, single submitter. Criteria: ACMG Guidelines, 2015. Collection method: clinical testing. Allele origin: unknown.

Labcorp Genetics (formerly Invitae), Labcorp
Classification: Pathogenic for Fanconi anemia. Last evaluated: 2023-04-28. Review status: criteria provided, single submitter. Criteria: Invitae Variant Classification Sherloc (09022015). Collection method: clinical testing. Allele origin: germline.
Comment: For these reasons, this variant has been classified as Pathogenic. Algorithms developed to predict the effect of sequence changes on RNA splicing suggest that this variant may disrupt the consensus splice site. ClinVar contains an entry for this variant (Variation ID: 485554). This variant has not been reported in the literature in individuals affected with FANCC-related conditions. This variant is present in population databases (rs776529713, gnomAD 0.0009%). This sequence change creates a premature translational stop signal (p.Gln316*) in the FANCC gene. It is expected to result in an absent or disrupted protein product. Loss-of-function variants in FANCC are known to be pathogenic (PMID: 17924555).

Ambry Genetics
Classification: Pathogenic for Hereditary cancer-predisposing syndrome. Last evaluated: 2017-08-08. Review status: criteria provided, single submitter. Criteria: Ambry Variant Classification Scheme 2023. Collection method: clinical testing. Allele origin: germline.
Comment: The p.Q316* pathogenic mutation (also known as c.946C>T), located in coding exon 9 of the FANCC gene, results from a C to T substitution at nucleotide position 946. This changes the amino acid from a glutamine to a stop codon within coding exon 9. This alteration is expected to result in loss of function by premature protein truncation or nonsense-mediated mRNA decay. As such, this alteration is interpreted as a disease-causing mutation.

Literature cited by the submitters: PubMed 17924555 (cited by Labcorp Genetics (formerly Invitae), Labcorp).